The following is an entry in ClinVar:

NM_000059.4(BRCA2):c.7927G>A (p.Ala2643Thr)

Gene: BRCA2 (BRCA2 DNA repair associated; plus strand). Cytogenetic location: 13q13.1.
Variant type: single nucleotide variant.
Coding change: c.7927G>A on transcript NM_000059.4 (MANE Select); coding-DNA position 7927, G replaced by A.
Protein change: p.Ala2643Thr; replaces alanine 2643 with threonine.
Molecular consequence: missense variant.
Genome position (GRCh38, 1-based): chr13:32,362,644, G>A. VCF-style: chr13-32362644-G-A. GRCh37 (hg19) VCF-style: chr13-32936781-G-A.
Other names: short protein forms A2643T.
Identifiers: ClinVar variation 628740 (VCV000628740.7), dbSNP rs1566244896, ClinGen allele CA387747201.

ClinVar aggregate classification (germline): Uncertain significance. Review status: criteria provided, multiple submitters, no conflicts (2 of 4 stars). 2 submissions from 2 submitters: Uncertain significance (2). Last evaluated 2023-12-04.

Conditions:
Hereditary cancer-predisposing syndrome. Also called: Neoplastic Syndromes, Hereditary; Tumor predisposition; Hereditary neoplastic syndrome; Hereditary Cancer Syndrome. Identifiers: Orphanet 140162, MedGen C0027672, MeSH D009386, MONDO:0015356.
Hereditary breast ovarian cancer syndrome. Also called: Hereditary breast and ovarian cancer syndrome; Hereditary breast and ovarian cancer; Hereditary breast and ovarian cancer syndrome (HBOC); Breast and ovarian cancer; Hereditary breast and/or ovarian cancer syndrome; BRCA1- and BRCA2-Associated Hereditary Breast and Ovarian Cancer. Identifiers: Orphanet 145, MedGen C0677776, MeSH D061325, MONDO:0003582. Disease mechanism: loss of function.

Submissions (2):

Color Diagnostics, LLC DBA Color Health
Classification: Uncertain significance for Hereditary cancer-predisposing syndrome. Last evaluated: 2023-12-04. Review status: criteria provided, single submitter. Criteria: ACMG Guidelines, 2015. Collection method: clinical testing. Allele origin: germline.
Comment: This missense variant replaces alanine with threonine at codon 2643 of the BRCA2 protein. Computational prediction is inconclusive regarding the impact of this variant on protein structure and function (internally defined REVEL score threshold 0.5 < inconclusive < 0.7, PMID: 27666373). To our knowledge, functional studies have not been reported for this variant. This variant has not been reported in individuals affected with BRCA2-related disorders in the literature. This variant has not been identified in the general population by the Genome Aggregation Database (gnomAD). The available evidence is insufficient to determine the role of this variant in disease conclusively. Therefore, this variant is classified as a Variant of Uncertain Significance.

Labcorp Genetics (formerly Invitae), Labcorp
Classification: Uncertain significance for Hereditary breast ovarian cancer syndrome. Last evaluated: 2023-06-19. Review status: criteria provided, single submitter. Criteria: Invitae Variant Classification Sherloc (09022015). Collection method: clinical testing. Allele origin: germline.
Comment: This variant is not present in population databases (gnomAD no frequency). This sequence change replaces alanine, which is neutral and non-polar, with threonine, which is neutral and polar, at codon 2643 of the BRCA2 protein (p.Ala2643Thr). This variant has not been reported in the literature in individuals affected with BRCA2-related conditions. ClinVar contains an entry for this variant (Variation ID: 628740). Advanced modeling of protein sequence and biophysical properties (such as structural, functional, and spatial information, amino acid conservation, physicochemical variation, residue mobility, and thermodynamic stability) performed at Invitae indicates that this missense variant is not expected to disrupt BRCA2 protein function. In summary, the available evidence is currently insufficient to determine the role of this variant in disease. Therefore, it has been classified as a Variant of Uncertain Significance.